The following is an entry in ClinVar:

NM_012431.3(SEMA3E):c.1394C>A (p.Thr465Lys)

Gene: SEMA3E (semaphorin 3E; minus strand). Cytogenetic location: 7q21.11.
Variant type: single nucleotide variant.
Coding change: c.1394C>A on transcript NM_012431.3 (MANE Select); coding-DNA position 1394, C replaced by A.
Protein change: p.Thr465Lys; replaces threonine 465 with lysine.
Molecular consequence: missense variant.
Genome position (GRCh38, 1-based): chr7:83,396,702, G>T on the plus strand (C>A on the coding strand, the complement: SEMA3E is on the minus strand). VCF-style: chr7-83396702-G-T. GRCh37 (hg19) VCF-style: chr7-83026018-G-T.
Other names: c.1214C>A, p.Thr405Lys (NM_001178129.2); short protein forms T405K, T465K.
Identifiers: ClinVar variation 4704238 (VCV004704238.1).
Genomic context (GRCh38, chr7:83,396,702, plus strand): 5'-AATATCTGAAGTTCTTCTAGAATTACTTCTTCCATTGATTCCATTTCTTGGTTGTAAATT[G>T]TGATTACTTTCAGCACAATTCCATTATCTGTAAGAAAACAAAACAAGAAATAAACTAGAA-3'
Protein context (NP_036563.1, residues 455-475): TDNGIVLKVI[Thr465Lys]IYNQEMESME

ClinVar aggregate classification (germline): Uncertain significance (1 of 4 stars; one submission).

Conditions:
CHARGE syndrome (CHARGE). Also called: Hittner Hirsch Kreh syndrome; CHARGE ASSOCIATION--COLOBOMA, HEART ANOMALY, CHOANAL ATRESIA, RETARDATION, GENITAL AND EAR ANOMALIES; Coloboma, heart anomaly, choanal atresia, retardation, genital and ear anomalies; CHARGE association; Hall-Hittner syndrome. Identifiers: Orphanet 138, MedGen C0265354, MONDO:0008965.

gnomAD v4.1: 2 of 1,604,022 alleles (0.00012%); highest among the groups gnomAD compares: Non-Finnish European, 0.00017%; no homozygotes.

Submission:

Labcorp Genetics (formerly Invitae), Labcorp
Classification: Uncertain significance for CHARGE syndrome. Last evaluated: 2025-04-10. Review status: criteria provided, single submitter. Criteria: Invitae Variant Classification Sherloc (09022015). Collection method: clinical testing. Allele origin: germline.
Comment: This sequence change replaces threonine, which is neutral and polar, with lysine, which is basic and polar, at codon 465 of the SEMA3E protein (p.Thr465Lys). This variant is not present in population databases (gnomAD no frequency). This variant has not been reported in the literature in individuals affected with SEMA3E-related conditions. Invitae Evidence Modeling of protein sequence and biophysical properties (such as structural, functional, and spatial information, amino acid conservation, physicochemical variation, residue mobility, and thermodynamic stability) indicates that this missense variant is not expected to disrupt SEMA3E protein function with a negative predictive value of 80%. In summary, the available evidence is currently insufficient to determine the role of this variant in disease. Therefore, it has been classified as a Variant of Uncertain Significance.